The following is an entry in ClinVar:

NM_000018.4(ACADVL):c.1630G>A (p.Ala544Thr)

Gene: ACADVL (acyl-CoA dehydrogenase very long chain; plus strand). Cytogenetic location: 17p13.1.
Variant type: single nucleotide variant.
Coding change: c.1630G>A on transcript NM_000018.4 (MANE Select); coding-DNA position 1630, G replaced by A.
Protein change: p.Ala544Thr; replaces alanine 544 with threonine.
Molecular consequence: missense variant.
Genome position (GRCh38, 1-based): chr17:7,224,504, G>A. VCF-style: chr17-7224504-G-A. GRCh37 (hg19) VCF-style: chr17-7127823-G-A.
Other names: c.1564G>A, p.Ala522Thr (NM_001033859.3); c.1699G>A, p.Ala567Thr (NM_001270447.2); c.1402G>A, p.Ala468Thr (NM_001270448.2); short protein forms A468T, A567T, A544T, A522T.
Identifiers: ClinVar variation 2012865 (VCV002012865.1), dbSNP rs2508361260, ClinGen allele CA397725525.

ClinVar aggregate classification (germline): Uncertain significance (1 of 4 stars; one submission).

Conditions:
Very long chain acyl-CoA dehydrogenase deficiency (ACADVLD). Also called: VLCAD Deficiency; Very Long-Chain Acyl-Coenzyme A Dehydrogenase Deficiency. Identifiers: Orphanet 26793, MedGen C3887523, MONDO:0008723, OMIM 201475.

Submission:

Labcorp Genetics (formerly Invitae), Labcorp
Classification: Uncertain significance for Very long chain acyl-CoA dehydrogenase deficiency. Last evaluated: 2022-07-01. Review status: criteria provided, single submitter. Criteria: Invitae Variant Classification Sherloc (09022015). Collection method: clinical testing. Allele origin: germline.
Comment: This sequence change replaces alanine, which is neutral and non-polar, with threonine, which is neutral and polar, at codon 544 of the ACADVL protein (p.Ala544Thr). This variant is not present in population databases (gnomAD no frequency). This variant has not been reported in the literature in individuals affected with ACADVL-related conditions. Advanced modeling of protein sequence and biophysical properties (such as structural, functional, and spatial information, amino acid conservation, physicochemical variation, residue mobility, and thermodynamic stability) performed at Invitae indicates that this missense variant is expected to disrupt ACADVL protein function. In summary, the available evidence is currently insufficient to determine the role of this variant in disease. Therefore, it has been classified as a Variant of Uncertain Significance.